The following is an entry in ClinVar:

NM_001009944.3(PKD1):c.6928G>A (p.Gly2310Arg)

Gene: PKD1 (polycystin 1, transient receptor potential channel interacting; minus strand). Cytogenetic location: 16p13.3.
Variant type: single nucleotide variant.
Coding change: c.6928G>A on transcript NM_001009944.3 (MANE Select); coding-DNA position 6928, G replaced by A.
Protein change: p.Gly2310Arg; replaces glycine 2310 with arginine.
Molecular consequence: missense variant.
Genome position (GRCh38, 1-based): chr16:2,108,020, C>T on the plus strand (G>A on the coding strand, the complement: PKD1 is on the minus strand). VCF-style: chr16-2108020-C-T. GRCh37 (hg19) VCF-style: chr16-2158021-C-T.
Other names: c.6928G>A, p.Gly2310Arg (NM_000296.4); short protein forms G2310R.
Identifiers: ClinVar variation 4927770 (VCV004927770.2).

ClinVar aggregate classification (germline): Likely benign. Review status: criteria provided, multiple submitters, no conflicts (2 of 4 stars). 2 submissions from 2 submitters: Likely benign (2). Last evaluated 2026-08-09.

Conditions:
PKD1-related disorder. Also called: PKD1-related condition.

gnomAD v4.1: 168 of 1,552,910 alleles (0.011%); highest among the groups gnomAD compares: South Asian, 0.17%; 1 homozygote.

Submissions (2):

PreventionGenetics, part of Exact Sciences
Classification: Likely benign for PKD1-related condition. Last evaluated: 2026-08-09. Review status: criteria provided, single submitter. Criteria: ACMG Guidelines, 2015. Collection method: clinical testing. Allele origin: germline.
Comment: This variant is classified as likely benign based on ACMG/AMP sequence variant interpretation guidelines (Richards et al. 2015 PMID: 25741868, with internal and published modifications).

Blueprint Genetics
Classification: Likely benign. Last evaluated: 2024-06-13. Review status: criteria provided, single submitter. Criteria: ACMG Guidelines, 2015. Collection method: clinical testing. Allele origin: germline.